The following is an entry in ClinVar:

ClinVar aggregate classification (germline): Pathogenic (1 of 4 stars; one submission).

Conditions:
Hereditary breast ovarian cancer syndrome. Also called: Breast and ovarian cancer; BRCA1- and BRCA2-Associated Hereditary Breast and Ovarian Cancer; Hereditary breast and ovarian cancer syndrome; Hereditary breast and/or ovarian cancer syndrome; Hereditary breast and ovarian cancer; Hereditary breast and ovarian cancer syndrome (HBOC). Identifiers: Orphanet 145, MedGen C0677776, MeSH D061325, MONDO:0003582. Disease mechanism: loss of function.

Submission:

Labcorp Genetics (formerly Invitae), Labcorp
Classification: Pathogenic for Hereditary breast ovarian cancer syndrome. Last evaluated: 2022-08-16. Review status: criteria provided, single submitter. Criteria: Invitae Variant Classification Sherloc (09022015). Collection method: clinical testing. Allele origin: germline.
Comment: This variant is a gross deletion of the genomic region encompassing exon(s) 15-18 of the BRCA2 gene. This deletion is out-of-frame, and is expected to create a premature termination codon and result in an absent or disrupted protein product. Loss-of-function variants in BRCA2 are known to be pathogenic (PMID: 20104584). For these reasons, this variant has been classified as Pathogenic. This variant has not been reported in the literature in individuals affected with BRCA2-related conditions.

Literature cited by the submitters: PubMed 20104584.

NC_000013.10:g.(?_32930545)_(32937690_?)del

Gene: BRCA2 (BRCA2 DNA repair associated; plus strand). Cytogenetic location: 13q13.1.
Variant type: Deletion.
Identifiers: ClinVar variation 1070258 (VCV001070258.8).